The following is an entry in ClinVar:

NM_000038.6(APC):c.33G>T (p.Lys11Asn)

Gene: APC (APC regulator of Wnt signaling pathway; plus strand). Cytogenetic location: 5q22.2.
Variant type: single nucleotide variant.
Coding change: c.33G>T on transcript NM_000038.6 (MANE Select); coding-DNA position 33, G replaced by T.
Protein change: p.Lys11Asn; replaces lysine 11 with asparagine.
Molecular consequence: missense variant. On other transcripts: 5 prime UTR variant (1), intron variant (8).
Genome position (GRCh38, 1-based): chr5:112,754,923, G>T. VCF-style: chr5-112754923-G-T. GRCh37 (hg19) VCF-style: chr5-112090620-G-T.
Other names: p.Lys11Asn; c.33G>T, p.Lys11Asn (NM_001127510.3, NM_001354895.2, NM_001354896.2 and 16 more transcripts); c.-1003G>T (NM_001354906.2, NM_001407470.1, NM_001407471.1 and 1 more transcripts); c.166-11403G>T (NM_001354897.2, NM_001354902.2, NM_001127511.3); c.61-11403G>T (NM_001354898.2, NM_001354904.2); c.-42-11403G>T (NM_001354900.2, NM_001354901.2, NM_001354905.2); short protein forms K11N.
Identifiers: ClinVar variation 1731053 (VCV001731053.7), dbSNP rs2149737598, ClinGen allele CA16021410.

ClinVar aggregate classification (germline): Uncertain significance. Review status: criteria provided, multiple submitters, no conflicts (2 of 4 stars). 4 submissions from 4 submitters: Uncertain significance (4). Last evaluated 2025-01-11.

Conditions:
Hereditary cancer-predisposing syndrome. Also called: Neoplastic Syndromes, Hereditary; Tumor predisposition; Hereditary Cancer Syndrome; Hereditary neoplastic syndrome. Identifiers: Orphanet 140162, MedGen C0027672, MeSH D009386, MONDO:0015356.
Familial adenomatous polyposis 1 (FAP1). Also called: FAMILIAL ADENOMATOUS POLYPOSIS 1, ATTENUATED; POLYPOSIS, ADENOMATOUS INTESTINAL. Identifiers: MedGen C2713442, MONDO:0021056, OMIM 175100. Disease mechanism: loss of function.

Allele frequency attached by ClinVar (database versions not stated): gnomAD exomes below 0.00001.
gnomAD v4.1: 6 of 1,613,804 alleles (0.00037%); highest among the groups gnomAD compares: Non-Finnish European, 0.00051%; no homozygotes.

Submissions (4):

Mayo Clinic Laboratories, Mayo Clinic
Classification: Uncertain significance. Last evaluated: 2025-01-11. Review status: criteria provided, single submitter. Criteria: ACMG Guidelines, 2015. Collection method: clinical testing. Allele origin: germline. Observed: 1 variant allele.
Comment: BP1, PM2_supporting

Ambry Genetics
Classification: Uncertain significance for Hereditary cancer-predisposing syndrome. Last evaluated: 2023-12-05. Review status: criteria provided, single submitter. Criteria: Ambry Variant Classification Scheme 2023. Collection method: clinical testing. Allele origin: germline.
Comment: The p.K11N variant (also known as c.33G>T), located in coding exon 1 of the APC gene, results from a G to T substitution at nucleotide position 33. The lysine at codon 11 is replaced by asparagine, an amino acid with similar properties. This amino acid position is well conserved in available vertebrate species. In addition, in silico predictors for this gene do not accurately predict pathogenicity. Since supporting evidence is limited at this time, the clinical significance of this alteration remains unclear.

Labcorp Genetics (formerly Invitae), Labcorp
Classification: Uncertain significance for Familial adenomatous polyposis 1. Last evaluated: 2023-11-17. Review status: criteria provided, single submitter. Criteria: Invitae Variant Classification Sherloc (09022015). Collection method: clinical testing. Allele origin: germline.
Comment: This sequence change replaces lysine, which is basic and polar, with asparagine, which is neutral and polar, at codon 11 of the APC protein (p.Lys11Asn). This variant is not present in population databases (gnomAD no frequency). This variant has not been reported in the literature in individuals affected with APC-related conditions. ClinVar contains an entry for this variant (Variation ID: 1731053). Advanced modeling of protein sequence and biophysical properties (such as structural, functional, and spatial information, amino acid conservation, physicochemical variation, residue mobility, and thermodynamic stability) performed at Invitae indicates that this missense variant is not expected to disrupt APC protein function with a negative predictive value of 95%. In summary, the available evidence is currently insufficient to determine the role of this variant in disease. Therefore, it has been classified as a Variant of Uncertain Significance.

Baylor Genetics
Classification: Uncertain significance for Familial adenomatous polyposis 1. Last evaluated: 2023-09-06. Review status: criteria provided, single submitter. Criteria: ACMG Guidelines, 2015. Collection method: clinical testing. Allele origin: unknown.